The following is an entry in ClinVar:

ClinVar aggregate classification (germline): Likely pathogenic. Review status: criteria provided, single submitter (1 of 4 stars). 2 submissions from 2 submitters: Likely pathogenic (1). 1 of the submissions does not count toward it. Last evaluated 2020-05-27.

Conditions:
Pontocerebellar hypoplasia, type 11. Identifiers: Orphanet 611247, MedGen C4540164, MONDO:0054669, OMIM 617695.

Submissions (2):

Broad Center for Mendelian Genomics, Broad Institute of MIT and Harvard
Classification: Likely pathogenic for Pontocerebellar hypoplasia, type 11. Last evaluated: 2020-05-27. Review status: criteria provided, single submitter. Criteria: ACMG Guidelines, 2015. Collection method: research. Allele origin: germline. Inheritance: Autosomal recessive inheritance.
Comment: The homozygous c.1687+2T>A variant in TBC1D23 was identified by our study in 2 Egyptian siblings with pontocerebellar hypoplasia (PMID: 28823706). The presence of this variant in an affected homozygote increases the likelihood that the c.1687+2T>A variant is pathogenic (PMID: 28823706). This variant has also been reported in ClinVar (Variation ID: 440763) but was absent from large population studies. This variant occurs in the invariant region (+/- 1/2) of the splice consensus sequence and is predicted to cause altered splicing leading to an abnormal or absent protein. In vitro functional studies provide some evidence that the c.1687+2T>A variant may slightly impact protein function (PMID: 28823706). However, these types of assays may not accurately represent biological function. While there is some evidence to suggest that loss of function of the TBC1D23 gene is a disease mechanism in autosomal recessive pontocerebellar hypoplasia, this association is not yet strongly established based on the criteria laid out in Tayoun, 2018 (PMID: 30192042). In summary, although additional studies are required to fully establish its clinical significance, this variant is likely pathogenic. ACMG/AMP Criteria applied: PVS1_Strong, PM2, PS3_Supporting, PM3_Supporting (Richards 2015).

OMIM
Classification: Pathogenic for PONTOCEREBELLAR HYPOPLASIA, TYPE 11. Last evaluated: 2017-09-29. Review status: no assertion criteria provided. Collection method: literature only. Allele origin: germline. Not counted in ClinVar's aggregate classification.

Literature cited by the submitters: PubMed 28823706 (cited by Broad Center for Mendelian Genomics, Broad Institute of MIT and Harvard and OMIM).

NM_001199198.3(TBC1D23):c.1687+2T>A

Gene: TBC1D23 (TBC1 domain family member 23; plus strand). Cytogenetic location: 3q12.2.
Variant type: single nucleotide variant.
Coding change: c.1687+2T>A on transcript NM_001199198.3 (MANE Select); the canonical splice donor site of the intron after coding-DNA position 1687, T replaced by A.
Molecular consequence: splice donor variant.
Genome position (GRCh38, 1-based): chr3:100,316,189, T>A. VCF-style: chr3-100316189-T-A. GRCh37 (hg19) VCF-style: chr3-100035033-T-A.
Other names: IVS16DS, T-A, +2; c.1642+2T>A (NM_018309.5).
Identifiers: ClinVar variation 440763 (VCV000440763.2), dbSNP rs1553731605, ClinGen allele CA353819784.